The following is an entry in ClinVar:

NM_003024.3(ITSN1):c.2647A>C (p.Ser883Arg)

Gene: ITSN1 (intersectin 1; plus strand). Cytogenetic location: 21q22.11.
Variant type: single nucleotide variant.
Coding change: c.2647A>C on transcript NM_003024.3 (MANE Select); coding-DNA position 2647, A replaced by C.
Protein change: p.Ser883Arg; replaces serine 883 with arginine.
Molecular consequence: missense variant.
Genome position (GRCh38, 1-based): chr21:33,813,992, A>C. VCF-style: chr21-33813992-A-C. GRCh37 (hg19) VCF-style: chr21-35186296-A-C.
Other names: c.2647A>C, p.Ser883Arg (NM_001001132.2, NM_001331008.2); c.2632A>C, p.Ser878Arg (NM_001331009.2, NM_001331010.2, NM_001331011.2); c.2521A>C, p.Ser841Arg (NM_001331012.2); short protein forms S841R, S878R, S883R.
Identifiers: ClinVar variation 5009475 (VCV005009475.1).

ClinVar aggregate classification (germline): Uncertain significance (1 of 4 stars; one submission).

Submission:

GeneDx
Classification: Uncertain significance. Last evaluated: 2026-03-19. Review status: criteria provided, single submitter. Criteria: GeneDx Variant Classification Process June 2021. Collection method: clinical testing. Allele origin: germline.
Comment: Not observed at significant frequency in large population cohorts (gnomAD); In silico analysis suggests that this missense variant does not alter protein structure/function; Has not been previously published as pathogenic or benign to our knowledge